The following is an entry in ClinVar:

ClinVar aggregate classification (germline): Uncertain significance. Review status: criteria provided, multiple submitters, no conflicts (2 of 4 stars). 2 submissions from 2 submitters: Uncertain significance (2). Last evaluated 2024-02-22.

Conditions:
Neurofibromatosis, type 1 (NF1). Also called: VON RECKLINGHAUSEN DISEASE; NEUROFIBROMATOSIS, TYPE I, SOMATIC; Neurofibromatosis, type I; Peripheral type neurofibromatosis. Identifiers: Orphanet 636, MedGen C0027831, MONDO:0018975, OMIM 162200. Disease mechanism: loss of function.
Cardiovascular phenotype. Identifiers: MedGen CN230736.
Hereditary cancer-predisposing syndrome. Also called: Neoplastic Syndromes, Hereditary; Tumor predisposition; Hereditary Cancer Syndrome; Hereditary neoplastic syndrome. Identifiers: Orphanet 140162, MedGen C0027672, MeSH D009386, MONDO:0015356.

Submissions (2):

Labcorp Genetics (formerly Invitae), Labcorp
Classification: Uncertain significance for Neurofibromatosis, type 1. Last evaluated: 2024-02-22. Review status: criteria provided, single submitter. Criteria: Invitae Variant Classification Sherloc (09022015). Collection method: clinical testing. Allele origin: germline.
Comment: This sequence change replaces phenylalanine, which is neutral and non-polar, with leucine, which is neutral and non-polar, at codon 1347 of the NF1 protein (p.Phe1347Leu). This variant is not present in population databases (gnomAD no frequency). This variant has not been reported in the literature in individuals affected with NF1-related conditions. ClinVar contains an entry for this variant (Variation ID: 1737288). Advanced modeling of protein sequence and biophysical properties (such as structural, functional, and spatial information, amino acid conservation, physicochemical variation, residue mobility, and thermodynamic stability) performed at Invitae indicates that this missense variant is not expected to disrupt NF1 protein function with a negative predictive value of 95%. In summary, the available evidence is currently insufficient to determine the role of this variant in disease. Therefore, it has been classified as a Variant of Uncertain Significance.

Ambry Genetics
Classification: Uncertain significance for Cardiovascular phenotype; Hereditary cancer-predisposing syndrome. Last evaluated: 2020-09-23. Review status: criteria provided, single submitter. Criteria: Ambry Variant Classification Scheme 2023. Collection method: clinical testing. Allele origin: germline.
Comment: The p.F1347L variant (also known as c.4041C>A), located in coding exon 30 of the NF1 gene, results from a C to A substitution at nucleotide position 4041. The phenylalanine at codon 1347 is replaced by leucine, an amino acid with highly similar properties. This amino acid position is highly conserved in available vertebrate species. In addition, this alteration is predicted to be deleterious by in silico analysis. Since supporting evidence is limited at this time, the clinical significance of this alteration remains unclear.

NM_001042492.3(NF1):c.4041C>A (p.Phe1347Leu)

Gene: NF1 (neurofibromin 1; plus strand). Cytogenetic location: 17q11.2.
Variant type: single nucleotide variant.
Coding change: c.4041C>A on transcript NM_001042492.3 (MANE Select); coding-DNA position 4041, C replaced by A.
Protein change: p.Phe1347Leu; replaces phenylalanine 1347 with leucine.
Molecular consequence: missense variant.
Genome position (GRCh38, 1-based): chr17:31,249,050, C>A. VCF-style: chr17-31249050-C-A. GRCh37 (hg19) VCF-style: chr17-29576068-C-A.
Other names: c.4041C>A, p.Phe1347Leu (NM_000267.4); short protein forms F1347L.
Identifiers: ClinVar variation 1737288 (VCV001737288.4), dbSNP rs2151451462, ClinGen allele CA398994955.